The following is an entry in ClinVar:

ClinVar aggregate classification (germline): Uncertain significance (1 of 4 stars; one submission).

gnomAD v4.1: 1 of 1,608,106 alleles (0.000062%); highest among the groups gnomAD compares: South Asian, 0.0011%; no homozygotes.

Submission:

Labcorp Genetics (formerly Invitae), Labcorp
Classification: Uncertain significance. Last evaluated: 2022-04-17. Review status: criteria provided, single submitter. Criteria: Invitae Variant Classification Sherloc (09022015). Collection method: clinical testing. Allele origin: germline.
Comment: This sequence change falls in intron 5 of the ITM2B gene. It does not directly change the encoded amino acid sequence of the ITM2B protein. It affects a nucleotide within the consensus splice site. In summary, the available evidence is currently insufficient to determine the role of this variant in disease. Therefore, it has been classified as a Variant of Uncertain Significance. Variants that disrupt the consensus splice site are a relatively common cause of aberrant splicing (PMID: 17576681, 9536098). Algorithms developed to predict the effect of sequence changes on RNA splicing suggest that this variant is not likely to affect RNA splicing. This variant has not been reported in the literature in individuals affected with ITM2B-related conditions. This variant is not present in population databases (gnomAD no frequency).

Literature cited by the submitters: PubMed 17576681; PubMed 9536098.

NM_021999.5(ITM2B):c.716-3C>T

Gene: ITM2B (integral membrane protein 2B; plus strand). Cytogenetic location: 13q14.2.
Variant type: single nucleotide variant.
Coding change: c.716-3C>T on transcript NM_021999.5 (MANE Select); 3 bases into the intron before coding-DNA position 716, C replaced by T.
Molecular consequence: intron variant.
Genome position (GRCh38, 1-based): chr13:48,261,136, C>T. VCF-style: chr13-48261136-C-T. GRCh37 (hg19) VCF-style: chr13-48835272-C-T.
Identifiers: ClinVar variation 2065581 (VCV002065581.4), dbSNP rs2542062856, ClinGen allele CA2580087557.